The following is an entry in ClinVar:

NM_000059.4(BRCA2):c.4643A>C (p.Glu1548Ala)

Gene: BRCA2 (BRCA2 DNA repair associated; plus strand). Cytogenetic location: 13q13.1.
Variant type: single nucleotide variant.
Coding change: c.4643A>C on transcript NM_000059.4 (MANE Select); coding-DNA position 4643, A replaced by C.
Protein change: p.Glu1548Ala; replaces glutamic acid 1548 with alanine.
Molecular consequence: missense variant.
Genome position (GRCh38, 1-based): chr13:32,338,998, A>C. VCF-style: chr13-32338998-A-C. GRCh37 (hg19) VCF-style: chr13-32913135-A-C.
Other names: short protein forms E1548A.
Identifiers: ClinVar variation 1061536 (VCV001061536.12), dbSNP rs1428922464, ClinGen allele CA387782155.

ClinVar aggregate classification (germline): Conflicting classifications of pathogenicity. Review status: criteria provided, conflicting classifications (1 of 4 stars). 3 submissions from 3 submitters: Uncertain significance (1); Likely benign (2). Last evaluated 2025-12-10.

Conditions:
Hereditary cancer-predisposing syndrome. Also called: Neoplastic Syndromes, Hereditary; Hereditary Cancer Syndrome; Hereditary neoplastic syndrome; Tumor predisposition. Identifiers: Orphanet 140162, MedGen C0027672, MeSH D009386, MONDO:0015356.
Hereditary breast ovarian cancer syndrome. Also called: Hereditary breast and/or ovarian cancer syndrome; Breast and ovarian cancer; BRCA1- and BRCA2-Associated Hereditary Breast and Ovarian Cancer; Hereditary breast and ovarian cancer syndrome; Hereditary breast and ovarian cancer syndrome (HBOC); Hereditary breast and ovarian cancer. Identifiers: Orphanet 145, MedGen C0677776, MeSH D061325, MONDO:0003582. Disease mechanism: loss of function.

Allele frequency attached by ClinVar (database versions not stated): TOPMed below 0.00001.

Submissions (3):

Labcorp Genetics (formerly Invitae), Labcorp
Classification: Uncertain significance for Hereditary breast ovarian cancer syndrome. Last evaluated: 2025-12-10. Review status: criteria provided, single submitter. Criteria: Invitae Variant Classification Sherloc (09022015). Collection method: clinical testing. Allele origin: germline.
Comment: This sequence change replaces glutamic acid, which is acidic and polar, with alanine, which is neutral and non-polar, at codon 1548 of the BRCA2 protein (p.Glu1548Ala). This variant is not present in population databases (gnomAD no frequency). This variant has not been reported in the literature in individuals affected with BRCA2-related conditions. ClinVar contains an entry for this variant (Variation ID: 1061536). Invitae Evidence Modeling of protein sequence and biophysical properties (such as structural, functional, and spatial information, amino acid conservation, physicochemical variation, residue mobility, and thermodynamic stability) indicates that this missense variant is not expected to disrupt BRCA2 protein function with a negative predictive value of 95%. In summary, the available evidence is currently insufficient to determine the role of this variant in disease. Therefore, it has been classified as a Variant of Uncertain Significance.

Ambry Genetics
Classification: Likely benign for Hereditary cancer-predisposing syndrome. Last evaluated: 2024-11-19. Review status: criteria provided, single submitter. Criteria: Ambry Variant Classification Scheme 2023. Collection method: clinical testing. Allele origin: germline.

University of Washington Department of Laboratory Medicine, University of Washington
Classification: Likely benign for Hereditary cancer-predisposing syndrome. Last evaluated: 2023-03-23. Review status: criteria provided, single submitter. Criteria: Dines et al. (Genet Med. 2020). Collection method: curation. Allele origin: germline.
Comment: Missense variant in a coldspot region where missense variants are very unlikely to be pathogenic (PMID:31911673).

BRCA2 exon 11 coldspot. Reclassification based on statistical prior probability.

Literature cited by the submitters: PubMed 19875419 (cited by Ambry Genetics); PubMed 25348012 (cited by Ambry Genetics).